The following is an entry in ClinVar:

ClinVar aggregate classification (germline): Uncertain significance (1 of 4 stars; one submission).

Submission:

Ambry Genetics
Classification: Uncertain significance. Last evaluated: 2025-12-28. Review status: criteria provided, single submitter. Criteria: Ambry Variant Classification Scheme 2023. Collection method: clinical testing. Allele origin: germline.
Comment: The p.S159R variant (also known as c.475A>C), located in coding exon 4 of the SRP72 gene, results from an A to C substitution at nucleotide position 475. The serine at codon 159 is replaced by arginine, an amino acid with dissimilar properties. This amino acid position is conserved. In addition, the in silico prediction for this alteration is inconclusive. Based on the available evidence, the clinical significance of this variant remains unclear.

NM_006947.4(SRP72):c.475A>C (p.Ser159Arg)

Gene: SRP72 (signal recognition particle 72; plus strand). Cytogenetic location: 4q12.
Variant type: single nucleotide variant.
Coding change: c.475A>C on transcript NM_006947.4 (MANE Select); coding-DNA position 475, A replaced by C.
Protein change: p.Ser159Arg; replaces serine 159 with arginine.
Molecular consequence: missense variant. On other transcripts: non-coding transcript variant (1).
Genome position (GRCh38, 1-based): chr4:56,474,174, A>C. VCF-style: chr4-56474174-A-C. GRCh37 (hg19) VCF-style: chr4-57340340-A-C.
Other names: c.475A>C, p.Ser159Arg (NM_001267722.2); short protein forms S159R.
Identifiers: ClinVar variation 4841455 (VCV004841455.1).